The following is an entry in ClinVar:

ClinVar aggregate classification (germline): Uncertain significance. Review status: criteria provided, multiple submitters, no conflicts (2 of 4 stars). 2 submissions from 2 submitters: Uncertain significance (2). Last evaluated 2024-11-08.

Conditions:
Leukoencephalopathy with brain stem and spinal cord involvement-high lactate syndrome (LBSL). Also called: LEUKOENCEPHALOPATHY WITH BRAINSTEM AND SPINAL CORD INVOLVEMENT AND LACTATE ELEVATION, MILD; MITOCHONDRIAL ASPARTYL-tRNA SYNTHETASE DEFICIENCY; Leukoencephalopathy with Brainstem and Spinal Cord Involvement and Lactate Elevation. Identifiers: Orphanet 137898, MedGen C1970180, MONDO:0012622, OMIM 611105.

Allele frequency attached by ClinVar (database versions not stated): gnomAD 0.00001; gnomAD exomes 0.00003.
gnomAD v4.1: 41 of 1,613,738 alleles (0.0025%); highest among the groups gnomAD compares: Non-Finnish European, 0.0031%; no homozygotes.

Submissions (2):

Blueprint Genetics
Classification: Uncertain significance. Last evaluated: 2024-11-08. Review status: criteria provided, single submitter. Criteria: ACMG Guidelines, 2015. Collection method: clinical testing. Allele origin: germline.

Victorian Clinical Genetics Services, Murdoch Childrens Research Institute
Classification: Uncertain significance for Leukoencephalopathy with brain stem and spinal cord involvement-high lactate syndrome. Last evaluated: 2022-02-02. Review status: criteria provided, single submitter. Criteria: ACMG Guidelines, 2015. Collection method: clinical testing. Allele origin: germline. Inheritance: Autosomal recessive inheritance. Affected: yes.
Comment: Based on the classification scheme VCGS_Germline_v1.3.4, this variant is classified as VUS-3A. Following criteria are met: 0102 - Loss of function is a known mechanism of disease in this gene and is associated with leukoencephalopathy with brain stem and spinal cord involvement and lactate elevation (MIM#611105). (I) 0106 - This gene is associated with autosomal recessive disease. (I) 0200 - Variant is predicted to result in a missense amino acid change from lysine to asparagine. However, this variant is also located near the intron-exon junction, and therefore has a potential effect on splicing. (I) 0251 - This variant is heterozygous. (I) 0304 - Variant is present in gnomAD (v2) <0.01 for a recessive condition (3 heterozygotes, 0 homozygotes). (SP) 0502 - Missense variant with conflicting in silico predictions and uninformative conservation. However, splice in silico predictions predict abnormal splicing and the affected nucleotide is highly conserved. (SP) 0600 - Variant is located in the annotated tRNA synthetases class II domain (DECIPHER). (I) 0705 - No comparable missense variants have previous evidence for pathogenicity. (I) 0807 - This variant has no previous evidence of pathogenicity. (I) 0905 - No published segregation evidence has been identified for this variant. (I) 1007 - No published functional evidence has been identified for this variant. (I) 1102 - Strong phenotype match for this individual. (SP) 1208 - Inheritance information for this variant is not currently available in this individual. (I) Legend: (SP) - Supporting pathogenic, (I) - Information, (SB) - Supporting benign

NM_018122.5(DARS2):c.1563G>T (p.Lys521Asn)

Gene: DARS2 (aspartyl-tRNA synthetase 2, mitochondrial; plus strand). Cytogenetic location: 1q25.1.
Variant type: single nucleotide variant.
Coding change: c.1563G>T on transcript NM_018122.5 (MANE Select); coding-DNA position 1563, G replaced by T.
Protein change: p.Lys521Asn; replaces lysine 521 with asparagine.
Molecular consequence: missense variant.
Genome position (GRCh38, 1-based): chr1:173,853,567, G>T. VCF-style: chr1-173853567-G-T. GRCh37 (hg19) VCF-style: chr1-173822705-G-T.
Other names: c.1410G>T, p.Lys470Asn (NM_001365212.1); short protein forms K470N, K521N.
Identifiers: ClinVar variation 1805051 (VCV001805051.2), dbSNP rs941790069, ClinGen allele CA32783158.